The following is an entry in ClinVar:

ClinVar aggregate classification (germline): Uncertain significance (1 of 4 stars; one submission).

Conditions:
Multiple congenital anomalies-hypotonia-seizures syndrome 1 (MCAHS1). Also called: PIGN-CDG; Congenital disorder of glycosylation due to PIGN deficiency; GLYCOSYLPHOSPHATIDYLINOSITOL BIOSYNTHESIS DEFECT 3. Identifiers: Orphanet 280633, MedGen C3279775, MONDO:0013563, OMIM 614080.

Allele frequency attached by ClinVar (database versions not stated): gnomAD exomes 0.00001 and 0.00003; ExAC 0.00003; gnomAD 0.00005 and 0.00006; ESP Exome Variant Server 0.00008; TOPMed 0.00008.
gnomAD v4.1: 22 of 1,613,090 alleles (0.0014%); highest among the groups gnomAD compares: African/African-American, 0.027%; no homozygotes.

Submission:

Labcorp Genetics (formerly Invitae), Labcorp
Classification: Uncertain significance for Multiple congenital anomalies-hypotonia-seizures syndrome 1. Last evaluated: 2022-10-05. Review status: criteria provided, single submitter. Criteria: Invitae Variant Classification Sherloc (09022015). Collection method: clinical testing. Allele origin: germline.
Comment: This sequence change replaces alanine, which is neutral and non-polar, with threonine, which is neutral and polar, at codon 496 of the PIGN protein (p.Ala496Thr). This variant is present in population databases (rs368439210, gnomAD 0.04%). This variant has not been reported in the literature in individuals affected with PIGN-related conditions. ClinVar contains an entry for this variant (Variation ID: 944457). Advanced modeling of protein sequence and biophysical properties (such as structural, functional, and spatial information, amino acid conservation, physicochemical variation, residue mobility, and thermodynamic stability) performed at Invitae indicates that this missense variant is not expected to disrupt PIGN protein function. In summary, the available evidence is currently insufficient to determine the role of this variant in disease. Therefore, it has been classified as a Variant of Uncertain Significance.

NM_176787.5(PIGN):c.1486G>A (p.Ala496Thr)

Gene: PIGN (phosphatidylinositol glycan anchor biosynthesis class N; minus strand). Cytogenetic location: 18q21.33.
Variant type: single nucleotide variant.
Coding change: c.1486G>A on transcript NM_176787.5 (MANE Select); coding-DNA position 1486, G replaced by A.
Protein change: p.Ala496Thr; replaces alanine 496 with threonine.
Molecular consequence: missense variant.
Genome position (GRCh38, 1-based): chr18:62,109,922, C>T on the plus strand (G>A on the coding strand, the complement: PIGN is on the minus strand). VCF-style: chr18-62109922-C-T. GRCh37 (hg19) VCF-style: chr18-59777155-C-T.
Other names: c.1486G>A, p.Ala496Thr (NM_012327.6); short protein forms A496T.
Identifiers: ClinVar variation 944457 (VCV000944457.5), dbSNP rs368439210, ClinGen allele CA8982274.